The following is an entry in ClinVar:

ClinVar aggregate classification (germline): Uncertain significance. Review status: criteria provided, multiple submitters, no conflicts (2 of 4 stars). 3 submissions from 3 submitters: Uncertain significance (3). Last evaluated 2026-04-24.

Conditions:
Tuberous sclerosis 2 (TSC2). Identifiers: Orphanet 805, MedGen C1860707, MONDO:0013199, OMIM 613254.
Hereditary cancer-predisposing syndrome. Also called: Tumor predisposition; Neoplastic Syndromes, Hereditary; Hereditary Cancer Syndrome; Hereditary neoplastic syndrome. Identifiers: Orphanet 140162, MedGen C0027672, MeSH D009386, MONDO:0015356.

Submissions (3):

Ambry Genetics
Classification: Uncertain significance for Hereditary cancer-predisposing syndrome. Last evaluated: 2026-04-24. Review status: criteria provided, single submitter. Criteria: Ambry Variant Classification Scheme 2023. Collection method: clinical testing. Allele origin: germline.
Comment: The c.5335_5336delCA variant, located in coding exon 41 of the TSC2 gene, results from a deletion of two nucleotides at nucleotide positions 5335 to 5336, causing a translational frameshift with a predicted alternate stop codon (p.Q1779Dfs*10). This variant occurs at the 3' terminus of the gene, is not expected to trigger nonsense-mediated mRNAdecay, and impacts the last 1.6% of the protein. The exact functional effect of this variant is unknown. Based on the available evidence, the clinical significance of this variant remains unclear.

GeneDx
Classification: Uncertain significance. Last evaluated: 2023-12-11. Review status: criteria provided, single submitter. Criteria: GeneDx Variant Classification Process June 2021. Collection method: clinical testing. Allele origin: germline. Affected: yes.
Comment: Frameshift variant predicted to result in abnormal protein length as the last 29 amino acids are replaced with 9 different amino acids; Not observed at significant frequency in large population cohorts (gnomAD); Has not been previously published as pathogenic or benign to our knowledge

Labcorp Genetics (formerly Invitae), Labcorp
Classification: Uncertain significance for Tuberous sclerosis 2. Last evaluated: 2023-11-17. Review status: criteria provided, single submitter. Criteria: Invitae Variant Classification Sherloc (09022015). Collection method: clinical testing. Allele origin: germline.
Comment: This sequence change creates a premature translational stop signal (p.Gln1779Aspfs*10) in the TSC2 gene. While this is not anticipated to result in nonsense mediated decay, it is expected to disrupt the last 29 amino acid(s) of the TSC2 protein. This variant is not present in population databases (gnomAD no frequency). This variant has not been reported in the literature in individuals affected with TSC2-related conditions. Experimental studies and prediction algorithms are not available or were not evaluated, and the functional significance of this variant is currently unknown. In summary, the available evidence is currently insufficient to determine the role of this variant in disease. Therefore, it has been classified as a Variant of Uncertain Significance.

NM_000548.5(TSC2):c.5335_5336del (p.Gln1779fs)

Gene: TSC2 (TSC complex subunit 2; plus strand). Cytogenetic location: 16p13.3.
Variant type: Microsatellite.
Coding change: c.5335_5336del on transcript NM_000548.5 (MANE Select); coding-DNA positions 5335 to 5336, 2 bases deleted (CA; older notation c.5335_5336delCA).
Protein change: p.Gln1779fs; shifts the reading frame from glutamine 1779.
Molecular consequence: frameshift variant.
Genome position (GRCh38, 1-based): chr16:2,088,521-2,088,522, CA deleted; deleting any 2 consecutive bases within chr16:2,088,519-2,088,522 gives the same sequence; the c. name uses the placement nearest the transcript's 3' end. VCF-style (leftmost placement, unchanged base first): chr16-2088518-GCA-G. GRCh37 (hg19) VCF-style: chr16-2138519-GCA-G.
Other names: c.5134_5135del, p.Gln1712fs (NM_001077183.3); c.5266_5267del, p.Gln1756fs (NM_001114382.3); c.5026_5027del, p.Gln1676fs (NM_001318827.2); c.4990_4991del, p.Gln1664fs (NM_001318829.2); c.4603_4604del, p.Gln1535fs (NM_001318831.2); c.5167_5168del, p.Gln1723fs (NM_001318832.2); c.5137_5138del, p.Gln1713fs (NM_001363528.2); c.5203_5204del, p.Gln1735fs (NM_001370404.1); and 3 more; short protein forms Q1712fs, Q1732fs, Q1735fs, Q1756fs, Q1535fs, Q1664fs, Q1676fs, Q1723fs.
Identifiers: ClinVar variation 1501502 (VCV001501502.10), dbSNP rs2151640273, ClinGen allele CA2580612724.